The following is an entry in ClinVar:

NM_194255.4(SLC19A1):c.1067C>T (p.Thr356Met)

Gene: SLC19A1 (solute carrier family 19 member 1; minus strand). Cytogenetic location: 21q22.3.
Variant type: single nucleotide variant.
Coding change: c.1067C>T on transcript NM_194255.4 (MANE Select); coding-DNA position 1067, C replaced by T.
Protein change: p.Thr356Met; replaces threonine 356 with methionine.
Molecular consequence: missense variant.
Genome position (GRCh38, 1-based): chr21:45,530,854, G>A on the plus strand (C>T on the coding strand, the complement: SLC19A1 is on the minus strand). VCF-style: chr21-45530854-G-A. GRCh37 (hg19) VCF-style: chr21-46950768-G-A.
Other names: c.1067C>T, p.Thr356Met (NM_001205206.4, NM_001352511.3, NM_001352512.2); c.947C>T, p.Thr316Met (NM_001205207.3); c.713C>T, p.Thr238Met (NM_001352510.2); c.1067C>T (NM_194255.2); short protein forms T238M, T316M, T356M.
Identifiers: ClinVar variation 2417774 (VCV002417774.8), dbSNP rs1158032004, ClinGen allele CA410506719.

ClinVar aggregate classification (germline): Uncertain significance. Review status: criteria provided, multiple submitters, no conflicts (2 of 4 stars). 2 submissions from 2 submitters: Uncertain significance (2). Last evaluated 2025-05-04.

Allele frequency attached by ClinVar (database versions not stated): gnomAD exomes 0.00002; TOPMed 0.00002.
gnomAD v4.1: 38 of 1,499,692 alleles (0.0025%); highest among the groups gnomAD compares: Non-Finnish European, 0.0028%; no homozygotes.

Submissions (2):

Ambry Genetics
Classification: Uncertain significance. Last evaluated: 2025-05-04. Review status: criteria provided, single submitter. Criteria: Ambry Variant Classification Scheme 2023. Collection method: clinical testing. Allele origin: germline.

Labcorp Genetics (formerly Invitae), Labcorp
Classification: Uncertain significance. Last evaluated: 2022-11-01. Review status: criteria provided, single submitter. Criteria: Invitae Variant Classification Sherloc (09022015). Collection method: clinical testing. Allele origin: germline.
Comment: This sequence change replaces threonine, which is neutral and polar, with methionine, which is neutral and non-polar, at codon 356 of the SLC19A1 protein (p.Thr356Met). This variant is not present in population databases (gnomAD no frequency). This variant has not been reported in the literature in individuals affected with SLC19A1-related conditions. Algorithms developed to predict the effect of missense changes on protein structure and function are either unavailable or do not agree on the potential impact of this missense change (SIFT: "Deleterious"; PolyPhen-2: "Possibly Damaging"; Align-GVGD: "Class C0"). In summary, the available evidence is currently insufficient to determine the role of this variant in disease. Therefore, it has been classified as a Variant of Uncertain Significance.